The following is an entry in ClinVar:

NM_015072.5(TTLL5):c.3394G>A (p.Gly1132Arg)

Gene: TTLL5 (tubulin tyrosine ligase like 5; plus strand). Cytogenetic location: 14q24.3.
Variant type: single nucleotide variant.
Coding change: c.3394G>A on transcript NM_015072.5 (MANE Select); coding-DNA position 3394, G replaced by A.
Protein change: p.Gly1132Arg; replaces glycine 1132 with arginine.
Molecular consequence: missense variant.
Genome position (GRCh38, 1-based): chr14:75,863,734, G>A. VCF-style: chr14-75863734-G-A. GRCh37 (hg19) VCF-style: chr14-76330077-G-A.
Other names: short protein forms G1132R.
Identifiers: ClinVar variation 1930779 (VCV001930779.5), dbSNP rs2503652702, ClinGen allele CA390539680.
Genomic context (GRCh38, chr14:75,863,734, plus strand): 5'-CAGACAGGGGGATTTGCCTGGGAAGGAGAAGTAGAAAACAACGTGTACAGCCAGGCTACA[G>A]GGGTGGTCCCCCAGCACAAGTATCACCCCACAGCAGGCAGCTATCAGCTTCAATTTGCCC-3'
Protein context (NP_055887.3, residues 1122-1142): VENNVYSQAT[Gly1132Arg]VVPQHKYHPT

ClinVar aggregate classification (germline): Uncertain significance (1 of 4 stars; one submission).

Submission:

Labcorp Genetics (formerly Invitae), Labcorp
Classification: Uncertain significance. Last evaluated: 2022-08-07. Review status: criteria provided, single submitter. Criteria: Invitae Variant Classification Sherloc (09022015). Collection method: clinical testing. Allele origin: germline.
Comment: In summary, the available evidence is currently insufficient to determine the role of this variant in disease. Therefore, it has been classified as a Variant of Uncertain Significance. Algorithms developed to predict the effect of missense changes on protein structure and function (SIFT, PolyPhen-2, Align-GVGD) all suggest that this variant is likely to be tolerated. This variant has not been reported in the literature in individuals affected with TTLL5-related conditions. This variant is not present in population databases (gnomAD no frequency). This sequence change replaces glycine, which is neutral and non-polar, with arginine, which is basic and polar, at codon 1132 of the TTLL5 protein (p.Gly1132Arg).